The following is an entry in ClinVar:

NM_001270.4(CHD1):c.2958G>A (p.Glu986=)

Gene: CHD1 (chromodomain helicase DNA binding protein 1; minus strand). Cytogenetic location: 5q15.
Variant type: single nucleotide variant.
Coding change: c.2958G>A on transcript NM_001270.4 (MANE Select); coding-DNA position 2958, G replaced by A.
Protein change: p.Glu986=; no amino-acid change (glutamic acid 986 retained).
Molecular consequence: synonymous variant. On other transcripts: non-coding transcript variant (2).
Genome position (GRCh38, 1-based): chr5:98,881,285, C>T on the plus strand (G>A on the coding strand, the complement: CHD1 is on the minus strand). VCF-style: chr5-98881285-C-T. GRCh37 (hg19) VCF-style: chr5-98216989-C-T.
Other names: c.2958G>A, p.Glu986= (NM_001364113.3, NM_001376194.2).
Identifiers: ClinVar variation 3025322 (VCV003025322.23), dbSNP rs1357723809, ClinGen allele CA445529370.

ClinVar aggregate classification (germline): Likely benign. Review status: criteria provided, multiple submitters, no conflicts (2 of 4 stars). 2 submissions from 2 submitters: Likely benign (2). Last evaluated 2024-11-22.

Allele frequency attached by ClinVar (database versions not stated): TOPMed below 0.00001; gnomAD exomes 0.00002.

Submissions (2):

Blueprint Genetics
Classification: Likely benign. Last evaluated: 2024-11-22. Review status: criteria provided, single submitter. Criteria: ACMG Guidelines, 2015. Collection method: clinical testing. Allele origin: germline.

CeGaT Center for Human Genetics Tuebingen
Classification: Likely benign. Last evaluated: 2023-12-01. Review status: criteria provided, single submitter. Criteria: CeGaT Center For Human Genetics Tuebingen Variant Classification Criteria Version 2. Collection method: clinical testing. Allele origin: germline. Affected: yes. Observed: 1 variant allele.
Comment: CHD1: BP4, BP7